The following is an entry in ClinVar:

ClinVar aggregate classification (germline): Uncertain significance. Review status: criteria provided, multiple submitters, no conflicts (2 of 4 stars). 3 submissions from 3 submitters: Uncertain significance (2). 1 of the submissions does not count toward it. Last evaluated 2023-02-10.

Conditions:
TTN-related disorder. Also called: TTN-related condition; TTN-related disease; TTN-related disorders.
Cardiovascular phenotype. Identifiers: MedGen CN230736.
Autosomal recessive limb-girdle muscular dystrophy type 2J (LGMDR10). Also called: Limb-girdle muscular dystrophy, type 2J; MUSCULAR DYSTROPHY, LIMB-GIRDLE, AUTOSOMAL RECESSIVE 10. Identifiers: Orphanet 140922, MedGen C1837342, MONDO:0012127, OMIM 608807.
Dilated cardiomyopathy 1G (CMD1G). Identifiers: Orphanet 154, MedGen C1858763, MONDO:0011400, OMIM 604145.

Allele frequency attached by ClinVar (database versions not stated): gnomAD exomes below 0.00001 and 0.00001; TOPMed 0.00001.
gnomAD v4.1: 2 of 1,611,346 alleles (0.00012%); highest among the groups gnomAD compares: Admixed American, 0.0017%; no homozygotes.

Submissions (3):

Ambry Genetics
Classification: Uncertain significance for Cardiovascular phenotype. Last evaluated: 2023-02-10. Review status: criteria provided, single submitter. Criteria: Ambry Variant Classification Scheme 2023. Collection method: clinical testing. Allele origin: germline.
Comment: The c.38532C>T variant (also known as p.G12844G), located in coding exon 140 of the TTN gene, results from a C to T substitution at nucleotide position 38532. This nucleotide substitution does not change the glycine at codon 12844. This nucleotide position is not well conserved in available vertebrate species. In silico splice site analysis for this alteration is inconclusive. Since supporting evidence is limited at this time, the clinical significance of this alteration remains unclear.

Labcorp Genetics (formerly Invitae), Labcorp
Classification: Uncertain significance for Dilated cardiomyopathy 1G; Autosomal recessive limb-girdle muscular dystrophy type 2J. Last evaluated: 2018-03-21. Review status: criteria provided, single submitter. Criteria: Invitae Variant Classification Sherloc (09022015). Collection method: clinical testing. Allele origin: germline.
Comment: This sequence change affects codon 21909 of the TTN mRNA. It is a 'silent' change, meaning that it does not change the encoded amino acid sequence of the TTN protein. This variant is not present in population databases (ExAC no frequency) and has not been reported in the literature in individuals with a TTN-related disease.¬†ClinVar contains an entry for this variant (Variation ID:¬†467382). This variant identified in the TTN gene is located in the A band of the resulting protein (PMID: 25589632). It is unclear how this variant impacts the function of this protein. Algorithms developed to predict the effect of sequence changes on RNA splicing suggest that this variant may alter RNA splicing, but this prediction has not been confirmed by published transcriptional studies. In summary, this is a novel silent change with uncertain impact on splicing. It has been classified as a Variant of Uncertain Significance.

PreventionGenetics, part of Exact Sciences
Classification: Likely benign for TTN-related condition. Last evaluated: 2024-04-11. Review status: no assertion criteria provided. Collection method: clinical testing. Allele origin: germline. Not counted in ClinVar's aggregate classification.
Comment: This variant is classified as likely benign based on ACMG/AMP sequence variant interpretation guidelines (Richards et al. 2015 PMID: 25741868, with internal and published modifications).

Literature cited by the submitters: PubMed 25589632 (cited by Labcorp Genetics (formerly Invitae), Labcorp).

NM_001267550.2(TTN):c.65727C>T (p.Gly21909=)

Genes: TTN-AS1 (TTN antisense RNA 1; plus strand), TTN (titin; minus strand). Cytogenetic location: 2q31.2.
Variant type: single nucleotide variant.
Coding change: c.65727C>T on transcript NM_001267550.2 (MANE Select); coding-DNA position 65727, C replaced by T.
Protein change: p.Gly21909=; no amino-acid change (glycine 21909 retained).
Molecular consequence: synonymous variant. On other transcripts: non-coding transcript variant (1).
Genome position (GRCh38, 1-based): chr2:178,583,076, G>A on the plus strand (C>T on the coding strand, the complement: TTN is on the minus strand). VCF-style: chr2-178583076-G-A. GRCh37 (hg19) VCF-style: chr2-179447803-G-A.
Other names: c.60804C>T, p.Gly20268= (NM_001256850.1); c.38532C>T, p.Gly12844= (NM_003319.4); c.58023C>T, p.Gly19341= (NM_133378.4); c.38907C>T, p.Gly12969= (NM_133432.3); c.39108C>T, p.Gly13036= (NM_133437.4).
Identifiers: ClinVar variation 467382 (VCV000467382.5), dbSNP rs1246746665, ClinGen allele CA430262799.
Genomic context (GRCh38, chr2:178,583,076, plus strand): 5'-CTTCCGGTTCACGCTGAATAGCTCCAAGGTGCACAGATTCCGCTGCATGGCCATCTTTAT[G>A]CCTTCTGCTGGTTTTAGCAGTGTGCCATCTTTTTTCCAAGAAACTGTTGGCATCGGTTTA-3'
Protein context (NP_001254479.2, residues 21899-21919): KDGTLLKPAE[Gly21909=]IKMAMQRNLC